The following is an entry in ClinVar:

ClinVar aggregate classification (germline): Likely pathogenic (1 of 4 stars; one submission).

Submission:

GeneDx
Classification: Likely pathogenic. Last evaluated: 2023-02-18. Review status: criteria provided, single submitter. Criteria: GeneDx Variant Classification Process June 2021. Collection method: clinical testing. Allele origin: germline. Affected: yes.
Comment: Intronic +5 splice site variant in a gene for which loss of function is a known mechanism of disease, and splice predictors support a deleterious effect; Not observed at significant frequency in large population cohorts (gnomAD); Has not been previously published as pathogenic or benign to our knowledge

NM_001278116.2(L1CAM):c.806+5G>C

Gene: L1CAM (L1 cell adhesion molecule; minus strand). Cytogenetic location: Xq28.
Variant type: single nucleotide variant.
Coding change: c.806+5G>C on transcript NM_001278116.2 (MANE Select); 5 bases into the intron after coding-DNA position 806, G replaced by C.
Molecular consequence: intron variant.
Genome position (GRCh38, 1-based): chrX:153,870,383, C>G on the plus strand (G>C on the coding strand, the complement: L1CAM is on the minus strand). VCF-style: chrX-153870383-C-G. GRCh37 (hg19) VCF-style: chrX-153135838-C-G.
Other names: c.791+5G>C (NM_001143963.2); c.806+5G>C (NM_024003.3, NM_000425.5).
Identifiers: ClinVar variation 2502547 (VCV002502547.1), dbSNP rs878853979, ClinGen allele CA2580612518.